The following is an entry in ClinVar:

NM_001278512.2(AP3B2):c.2912A>C (p.Gln971Pro)

Genes: AP3B2 (adaptor related protein complex 3 subunit beta 2; minus strand), CPEB1-AS1 (CPEB1 antisense RNA 1; plus strand). Cytogenetic location: 15q25.2.
Variant type: single nucleotide variant.
Coding change: c.2912A>C on transcript NM_001278512.2 (MANE Select); coding-DNA position 2912, A replaced by C.
Protein change: p.Gln971Pro; replaces glutamine 971 with proline.
Molecular consequence: missense variant.
Genome position (GRCh38, 1-based): chr15:82,662,174, T>G on the plus strand (A>C on the coding strand, the complement: AP3B2 is on the minus strand). VCF-style: chr15-82662174-T-G. GRCh37 (hg19) VCF-style: chr15-83330926-T-G.
Other names: c.2759A>C, p.Gln920Pro (NM_001278511.2); c.44A>C, p.Gln15Pro (NM_001348441.2); c.2855A>C, p.Gln952Pro (NM_004644.5); c.2855A>C (NM_004644.3); short protein forms Q15P, Q952P, Q971P, Q920P.
Identifiers: ClinVar variation 2011902 (VCV002011902.5), dbSNP rs2548694307, ClinGen allele CA393307494.

ClinVar aggregate classification (germline): Uncertain significance. Review status: criteria provided, multiple submitters, no conflicts (2 of 4 stars). 2 submissions from 2 submitters: Uncertain significance (2). Last evaluated 2025-07-02.

Conditions:
Inborn genetic diseases. Identifiers: MedGen C0950123, MeSH D030342.

Allele frequency attached by ClinVar (database versions not stated): gnomAD exomes below 0.00001.
gnomAD v4.1: 1 of 1,599,812 alleles (0.000063%); highest among the groups gnomAD compares: Non-Finnish European, 0.000085%; no homozygotes.

Submissions (2):

Ambry Genetics
Classification: Uncertain significance for Inborn genetic diseases. Last evaluated: 2025-07-02. Review status: criteria provided, single submitter. Criteria: Ambry Variant Classification Scheme 2023. Collection method: clinical testing. Allele origin: germline.

Labcorp Genetics (formerly Invitae), Labcorp
Classification: Uncertain significance. Last evaluated: 2022-06-28. Review status: criteria provided, single submitter. Criteria: Invitae Variant Classification Sherloc (09022015). Collection method: clinical testing. Allele origin: germline.
Comment: This sequence change replaces glutamine, which is neutral and polar, with proline, which is neutral and non-polar, at codon 952 of the AP3B2 protein (p.Gln952Pro). This variant is not present in population databases (gnomAD no frequency). This variant has not been reported in the literature in individuals affected with AP3B2-related conditions. Algorithms developed to predict the effect of missense changes on protein structure and function (SIFT, PolyPhen-2, Align-GVGD) all suggest that this variant is likely to be tolerated. In summary, the available evidence is currently insufficient to determine the role of this variant in disease. Therefore, it has been classified as a Variant of Uncertain Significance.